The following is an entry in ClinVar:

NM_007325.5(GRIA3):c.488A>G (p.Tyr163Cys)

Gene: GRIA3 (glutamate ionotropic receptor AMPA type subunit 3; plus strand). Cytogenetic location: Xq25.
Variant type: single nucleotide variant.
Coding change: c.488A>G on transcript NM_007325.5 (MANE Select); coding-DNA position 488, A replaced by G.
Protein change: p.Tyr163Cys; replaces tyrosine 163 with cysteine.
Molecular consequence: missense variant.
Genome position (GRCh38, 1-based): chrX:123,253,522, A>G. VCF-style: chrX-123253522-A-G. GRCh37 (hg19) VCF-style: chrX-122387373-A-G.
Other names: c.488A>G, p.Tyr163Cys (NM_000828.5); short protein forms Y163C.
Identifiers: ClinVar variation 2859774 (VCV002859774.3), dbSNP rs2520693883, ClinGen allele CA414261026.

ClinVar aggregate classification (germline): Uncertain significance (1 of 4 stars; one submission).

Submission:

Labcorp Genetics (formerly Invitae), Labcorp
Classification: Uncertain significance. Last evaluated: 2023-04-27. Review status: criteria provided, single submitter. Criteria: Invitae Variant Classification Sherloc (09022015). Collection method: clinical testing. Allele origin: germline.
Comment: This sequence change replaces tyrosine, which is neutral and polar, with cysteine, which is neutral and slightly polar, at codon 163 of the GRIA3 protein (p.Tyr163Cys). This variant is not present in population databases (gnomAD no frequency). In summary, the available evidence is currently insufficient to determine the role of this variant in disease. Therefore, it has been classified as a Variant of Uncertain Significance. Advanced modeling of protein sequence and biophysical properties (such as structural, functional, and spatial information, amino acid conservation, physicochemical variation, residue mobility, and thermodynamic stability) performed at Invitae indicates that this missense variant is not expected to disrupt GRIA3 protein function. This variant has not been reported in the literature in individuals affected with GRIA3-related conditions.